The following is an entry in ClinVar:

ClinVar aggregate classification (germline): Likely benign. Review status: criteria provided, multiple submitters, no conflicts (2 of 4 stars). 2 submissions from 2 submitters: Likely benign (2). Last evaluated 2026-01-05.

Conditions:
COL9A3-related disorder. Also called: COL9A3-related condition.

Allele frequency attached by ClinVar (database versions not stated): gnomAD exomes below 0.00001; ExAC 0.00003.
gnomAD v4.1: 4 of 1,534,472 alleles (0.00026%); highest among the groups gnomAD compares: Admixed American, 0.005%; no homozygotes.

Submissions (2):

Labcorp Genetics (formerly Invitae), Labcorp
Classification: Likely benign. Last evaluated: 2026-01-05. Review status: criteria provided, single submitter. Criteria: Invitae Variant Classification Sherloc (09022015). Collection method: clinical testing. Allele origin: germline.

PreventionGenetics, part of Exact Sciences
Classification: Likely benign for COL9A3-related condition. Last evaluated: 2025-12-14. Review status: criteria provided, single submitter. Criteria: ACMG Guidelines, 2015. Collection method: clinical testing. Allele origin: germline.
Comment: This variant is classified as likely benign based on ACMG/AMP sequence variant interpretation guidelines (Richards et al. 2015 PMID: 25741868, with internal and published modifications).

NM_001853.4(COL9A3):c.424-8C>T

Gene: COL9A3 (collagen type IX alpha 3 chain; plus strand). Cytogenetic location: 20q13.33.
Variant type: single nucleotide variant.
Coding change: c.424-8C>T on transcript NM_001853.4 (MANE Select); 8 bases into the intron before coding-DNA position 424, C replaced by T.
Molecular consequence: intron variant.
Genome position (GRCh38, 1-based): chr20:62,822,103, C>T. VCF-style: chr20-62822103-C-T. GRCh37 (hg19) VCF-style: chr20-61453455-C-T.
Other names: c.424-8C>T (NM_001853.3).
Identifiers: ClinVar variation 1988007 (VCV001988007.5), dbSNP rs759644565, ClinGen allele CA9949269.